The following is an entry in ClinVar:

NM_014141.6(CNTNAP2):c.2231A>G (p.Asn744Ser)

Gene: CNTNAP2 (contactin associated protein 2; plus strand). Cytogenetic location: 7q35.
Variant type: single nucleotide variant.
Coding change: c.2231A>G on transcript NM_014141.6 (MANE Select); coding-DNA position 2231, A replaced by G.
Protein change: p.Asn744Ser; replaces asparagine 744 with serine.
Molecular consequence: missense variant.
Genome position (GRCh38, 1-based): chr7:147,903,697, A>G. VCF-style: chr7-147903697-A-G. GRCh37 (hg19) VCF-style: chr7-147600789-A-G.
Other names: short protein forms N744S.
Identifiers: ClinVar variation 940898 (VCV000940898.3), dbSNP rs768053245, ClinGen allele CA4546333.

ClinVar aggregate classification (germline): Uncertain significance (1 of 4 stars; one submission).

Conditions:
Cortical dysplasia-focal epilepsy syndrome (PTHSL1). Also called: Pitt-Hopkins-like syndrome 1. Identifiers: Orphanet 163681, Orphanet 221150, MedGen C2750246, MONDO:0012400, OMIM 610042.

Allele frequency attached by ClinVar (database versions not stated): TOPMed below 0.00001; gnomAD exomes 0.00001 and 0.00002; ExAC 0.00005.
gnomAD v4.1: 8 of 1,613,974 alleles (0.0005%); highest among the groups gnomAD compares: Admixed American, 0.01%; no homozygotes.

Submission:

Labcorp Genetics (formerly Invitae), Labcorp
Classification: Uncertain significance for Cortical dysplasia-focal epilepsy syndrome. Last evaluated: 2021-08-28. Review status: criteria provided, single submitter. Criteria: Invitae Variant Classification Sherloc (09022015). Collection method: clinical testing. Allele origin: germline.
Comment: This sequence change replaces asparagine with serine at codon 744 of the CNTNAP2 protein (p.Asn744Ser). The asparagine residue is highly conserved and there is a small physicochemical difference between asparagine and serine. This variant is present in population databases (rs768053245, ExAC 0.05%). This variant has not been reported in the literature in individuals affected with CNTNAP2-related conditions. Algorithms developed to predict the effect of missense changes on protein structure and function (SIFT, PolyPhen-2, Align-GVGD) all suggest that this variant is likely to be disruptive. In summary, the available evidence is currently insufficient to determine the role of this variant in disease. Therefore, it has been classified as a Variant of Uncertain Significance.